The following is an entry in ClinVar:

NM_198271.5(LMOD3):c.1507A>G (p.Arg503Gly)

Gene: LMOD3 (leiomodin 3; minus strand). Cytogenetic location: 3p14.1.
Variant type: single nucleotide variant.
Coding change: c.1507A>G on transcript NM_198271.5 (MANE Select); coding-DNA position 1507, A replaced by G.
Protein change: p.Arg503Gly; replaces arginine 503 with glycine.
Molecular consequence: missense variant.
Genome position (GRCh38, 1-based): chr3:69,118,848, T>C on the plus strand (A>G on the coding strand, the complement: LMOD3 is on the minus strand). VCF-style: chr3-69118848-T-C. GRCh37 (hg19) VCF-style: chr3-69167999-T-C.
Other names: c.1507A>G, p.Arg503Gly (NM_001304418.3); short protein forms R503G.
Identifiers: ClinVar variation 574953 (VCV000574953.5), dbSNP rs764972614, ClinGen allele CA2488753.

ClinVar aggregate classification (germline): Uncertain significance (1 of 4 stars; one submission).

Conditions:
Nemaline myopathy 10 (NEM10). Identifiers: MedGen C4015360, MONDO:0014513, OMIM 616165.

Allele frequency attached by ClinVar (database versions not stated): gnomAD exomes below 0.00001; ExAC 0.00001; gnomAD 0.00001.

Submission:

Labcorp Genetics (formerly Invitae), Labcorp
Classification: Uncertain significance for Nemaline myopathy 10. Last evaluated: 2025-06-16. Review status: criteria provided, single submitter. Criteria: Invitae Variant Classification Sherloc (09022015). Collection method: clinical testing. Allele origin: germline.
Comment: This sequence change replaces arginine, which is basic and polar, with glycine, which is neutral and non-polar, at codon 503 of the LMOD3 protein (p.Arg503Gly). This variant is present in population databases (rs764972614, gnomAD 0.0009%). This variant has not been reported in the literature in individuals affected with LMOD3-related conditions. ClinVar contains an entry for this variant (Variation ID: 574953). An algorithm developed to predict the effect of missense changes on protein structure and function outputs the following: PolyPhen-2: "Benign". The glycine amino acid residue is found in multiple mammalian species, which suggests that this missense change does not adversely affect protein function. In summary, the available evidence is currently insufficient to determine the role of this variant in disease. Therefore, it has been classified as a Variant of Uncertain Significance.